The following is an entry in ClinVar:

NM_001128148.3(TFRC):c.1186T>C (p.Phe396Leu)

Gene: TFRC (transferrin receptor; minus strand). Cytogenetic location: 3q29.
Variant type: single nucleotide variant.
Coding change: c.1186T>C on transcript NM_001128148.3 (MANE Select); coding-DNA position 1186, T replaced by C.
Protein change: p.Phe396Leu; replaces phenylalanine 396 with leucine.
Molecular consequence: missense variant.
Genome position (GRCh38, 1-based): chr3:196,065,455, A>G on the plus strand (T>C on the coding strand, the complement: TFRC is on the minus strand). VCF-style: chr3-196065455-A-G. GRCh37 (hg19) VCF-style: chr3-195792326-A-G.
Other names: c.943T>C, p.Phe315Leu (NM_001313965.2); c.340T>C, p.Phe114Leu (NM_001313966.2); c.1186T>C, p.Phe396Leu (NM_003234.4); short protein forms F396L, F114L, F315L.
Identifiers: ClinVar variation 1981704 (VCV001981704.4), dbSNP rs1343457781, ClinGen allele CA355572155.

ClinVar aggregate classification (germline): Uncertain significance (1 of 4 stars; one submission).

Allele frequency attached by ClinVar (database versions not stated): gnomAD exomes below 0.00001.

Submission:

Labcorp Genetics (formerly Invitae), Labcorp
Classification: Uncertain significance. Last evaluated: 2022-04-21. Review status: criteria provided, single submitter. Criteria: Invitae Variant Classification Sherloc (09022015). Collection method: clinical testing. Allele origin: germline.
Comment: Algorithms developed to predict the effect of missense changes on protein structure and function (SIFT, PolyPhen-2, Align-GVGD) all suggest that this variant is likely to be tolerated. In summary, the available evidence is currently insufficient to determine the role of this variant in disease. Therefore, it has been classified as a Variant of Uncertain Significance. This sequence change replaces phenylalanine, which is neutral and non-polar, with leucine, which is neutral and non-polar, at codon 396 of the TFRC protein (p.Phe396Leu). The frequency data for this variant in the population databases is considered unreliable, as metrics indicate poor data quality at this position in the gnomAD database. This variant has not been reported in the literature in individuals affected with TFRC-related conditions.